The following is an entry in ClinVar:

ClinVar aggregate classification (germline): Pathogenic/Likely pathogenic. Review status: criteria provided, multiple submitters, no conflicts (2 of 4 stars). 2 submissions from 2 submitters: Pathogenic (1); Likely pathogenic (1). Last evaluated 2021-08-12.

Conditions:
EYS-related disorder. Also called: EYS-related condition.

Submissions (2):

Labcorp Genetics (formerly Invitae), Labcorp
Classification: Pathogenic. Last evaluated: 2021-08-12. Review status: criteria provided, single submitter. Criteria: Invitae Variant Classification Sherloc (09022015). Collection method: clinical testing. Allele origin: germline.
Comment: For these reasons, this variant has been classified as Pathogenic. This variant has not been reported in the literature in individuals affected with EYS-related conditions. This variant is not present in population databases (ExAC no frequency). This sequence change creates a premature translational stop signal (p.Lys2533*) in the EYS gene. It is expected to result in an absent or disrupted protein product. Loss-of-function variants in EYS are known to be pathogenic (PMID: 18836446, 20333770).

Blueprint Genetics
Classification: Likely pathogenic for EYS-related disorders. Last evaluated: 2018-07-16. Review status: criteria provided, single submitter. Criteria: ACMG Guidelines, 2015. Collection method: clinical testing. Allele origin: germline. Affected: yes. Observed: 1 variant allele.

Literature cited by the submitters: PubMed 18836446 (cited by Labcorp Genetics (formerly Invitae), Labcorp); PubMed 20333770 (cited by Labcorp Genetics (formerly Invitae), Labcorp).

NM_001142800.2(EYS):c.7597A>T (p.Lys2533Ter)

Gene: EYS (EGF-like photoreceptor maintenance factor; minus strand). Cytogenetic location: 6q12.
Variant type: single nucleotide variant.
Coding change: c.7597A>T on transcript NM_001142800.2 (MANE Select); coding-DNA position 7597, A replaced by T.
Protein change: p.Lys2533Ter; replaces lysine 2533 with a stop codon.
Molecular consequence: nonsense.
Genome position (GRCh38, 1-based): chr6:63,788,231, T>A on the plus strand (A>T on the coding strand, the complement: EYS is on the minus strand). VCF-style: chr6-63788231-T-A. GRCh37 (hg19) VCF-style: chr6-64498124-T-A.
Other names: c.7597A>T, p.Lys2533Ter (NM_001292009.2); short protein forms K2533*.
Identifiers: ClinVar variation 1455844 (VCV001455844.7), dbSNP rs114512007, ClinGen allele CA364385510.